The following is an entry in ClinVar:

NM_000179.3(MSH6):c.359T>G (p.Ile120Ser)

Gene: MSH6 (mutS homolog 6; plus strand). Cytogenetic location: 2p16.3.
Variant type: single nucleotide variant.
Coding change: c.359T>G on transcript NM_000179.3 (MANE Select); coding-DNA position 359, T replaced by G.
Protein change: p.Ile120Ser; replaces isoleucine 120 with serine.
Molecular consequence: missense variant. On other transcripts: 5 prime UTR variant (2), intron variant (1).
Genome position (GRCh38, 1-based): chr2:47,791,025, T>G. VCF-style: chr2-47791025-T-G. GRCh37 (hg19) VCF-style: chr2-48018164-T-G.
Other names: c.-378T>G (NM_001281493.2); c.-544T>G (NM_001281494.2); c.237+7555T>G (NM_001281492.2); short protein forms I120S.
Identifiers: ClinVar variation 1353437 (VCV001353437.10), dbSNP rs775971872, ClinGen allele CA346737007.

ClinVar aggregate classification (germline): Uncertain significance. Review status: criteria provided, multiple submitters, no conflicts (2 of 4 stars). 3 submissions from 3 submitters: Uncertain significance (3). Last evaluated 2025-10-01.

Conditions:
Hereditary cancer-predisposing syndrome. Also called: Neoplastic Syndromes, Hereditary; Tumor predisposition; Hereditary neoplastic syndrome; Hereditary Cancer Syndrome. Identifiers: Orphanet 140162, MedGen C0027672, MeSH D009386, MONDO:0015356.
Hereditary nonpolyposis colorectal neoplasms. Identifiers: MedGen C0009405, MeSH D003123.
Endometrial carcinoma. Also called: Endometrial carcinoma, somatic. Identifiers: MedGen C0476089, MONDO:0002447, OMIM 608089, HP:0012114.

Submissions (3):

Labcorp Genetics (formerly Invitae), Labcorp
Classification: Uncertain significance for Hereditary nonpolyposis colorectal neoplasms. Last evaluated: 2025-10-01. Review status: criteria provided, single submitter. Criteria: Invitae Variant Classification Sherloc (09022015). Collection method: clinical testing. Allele origin: germline.
Comment: This sequence change replaces isoleucine, which is neutral and non-polar, with serine, which is neutral and polar, at codon 120 of the MSH6 protein (p.Ile120Ser). This variant is not present in population databases (gnomAD no frequency). This variant has not been reported in the literature in individuals affected with MSH6-related conditions. ClinVar contains an entry for this variant (Variation ID: 1353437). Invitae Evidence Modeling of protein sequence and biophysical properties (such as structural, functional, and spatial information, amino acid conservation, physicochemical variation, residue mobility, and thermodynamic stability) indicates that this missense variant is not expected to disrupt MSH6 protein function with a negative predictive value of 95%. In summary, the available evidence is currently insufficient to determine the role of this variant in disease. Therefore, it has been classified as a Variant of Uncertain Significance.

Ambry Genetics
Classification: Uncertain significance for Hereditary cancer-predisposing syndrome. Last evaluated: 2025-05-28. Review status: criteria provided, single submitter. Criteria: Ambry Variant Classification Scheme 2023. Collection method: clinical testing. Allele origin: germline.
Comment: The p.I120S variant (also known as c.359T>G), located in coding exon 2 of the MSH6 gene, results from a T to G substitution at nucleotide position 359. The isoleucine at codon 120 is replaced by serine, an amino acid with dissimilar properties. This amino acid position is not well conserved in available vertebrate species. In addition, this alteration is predicted to be tolerated by in silico analysis. Based on the available evidence, the clinical significance of this variant remains unclear.

Baylor Genetics
Classification: Uncertain significance for Endometrial carcinoma. Last evaluated: 2023-08-14. Review status: criteria provided, single submitter. Criteria: ACMG Guidelines, 2015. Collection method: clinical testing. Allele origin: unknown.